The following is an entry in ClinVar:

ClinVar aggregate classification (germline): Likely pathogenic. Review status: criteria provided, multiple submitters, no conflicts (2 of 4 stars). 5 submissions from 4 submitters: Likely pathogenic (5). Last evaluated 2025-06-12.

Conditions:
Cardiac arrhythmia. Also called: Cardiac rhythm disease; Arrhythmia. Identifiers: MedGen C0003811, MONDO:0007263, HP:0011675.
Citrullinemia. Identifiers: Orphanet 187, MedGen C0175683, MONDO:0015991.
Citrullinemia type I (CTNL1). Also called: ASS DEFICIENCY; argininosuccinate synthetase deficiency. Identifiers: Orphanet 247525, MedGen C4721769, MONDO:0008988, OMIM 215700.

Allele frequency attached by ClinVar (database versions not stated): gnomAD exomes 0.00001; gnomAD 0.00001; TOPMed 0.00001.
gnomAD v4.1: 13 of 1,613,736 alleles (0.00081%); highest among the groups gnomAD compares: East Asian, 0.0022%; no homozygotes.

Submissions (5):

Myriad Genetics, Inc.
Classification: Likely pathogenic for Citrullinemia type I. Last evaluated: 2025-06-12. Review status: criteria provided, single submitter. Criteria: Myriad Autosomal Dominant, Autosomal Recessive and X-Linked Classification Criteria (2023). Collection method: clinical testing. Allele origin: unknown.
Comment: NM_000050.4(ASS1):c.892G>A(E298K) is a missense variant classified as likely pathogenic in the context of citrullinemia type 1. E298K has been observed in cases with relevant disease (PMID: 31469252, 23246278, Imbard_2018_OralPresentation). Relevant functional assessments of this variant are available in the literature (PMID: 31469252). E298K has not been observed in referenced population frequency databases. In summary, NM_000050.4(ASS1):c.892G>A(E298K) is a missense variant that has functional support for pathogenicity and has been observed more frequently in cases with the relevant disease than in healthy populations. Please note: this variant was assessed in the context of healthy population screening.

Labcorp Genetics (formerly Invitae), Labcorp
Classification: Likely pathogenic for Citrullinemia. Last evaluated: 2025-04-07. Review status: criteria provided, single submitter. Criteria: Invitae Variant Classification Sherloc (09022015). Collection method: clinical testing. Allele origin: germline.
Comment: This sequence change replaces glutamic acid, which is acidic and polar, with lysine, which is basic and polar, at codon 298 of the ASS1 protein (p.Glu298Lys). This variant is not present in population databases (gnomAD no frequency). This missense change has been observed in individuals with clinical features of citrullinemia (PMID: 23099195, 23246278; internal data). ClinVar contains an entry for this variant (Variation ID: 1435108). Invitae Evidence Modeling of protein sequence and biophysical properties (such as structural, functional, and spatial information, amino acid conservation, physicochemical variation, residue mobility, and thermodynamic stability) indicates that this missense variant is expected to disrupt ASS1 protein function with a positive predictive value of 80%. Experimental studies have shown that this missense change affects ASS1 function (PMID: 31469252). This variant disrupts the p.Glu298 amino acid residue in ASS1. Other variant(s) that disrupt this residue have been determined to be pathogenic (internal data). This suggests that this residue is clinically significant, and that variants that disrupt this residue are likely to be disease-causing. In summary, the currently available evidence indicates that the variant is pathogenic, but additional data are needed to prove that conclusively. Therefore, this variant has been classified as Likely Pathogenic.

Fulgent Genetics
Classification: Likely pathogenic for Citrullinemia type I. Last evaluated: 2024-04-05. Review status: criteria provided, single submitter. Criteria: ACMG Guidelines, 2015. Collection method: clinical testing. Allele origin: germline.

Women's Health and Genetics/Laboratory Corporation of America, LabCorp
Classification: Likely pathogenic for Citrullinemia. Last evaluated: 2024-03-27. Review status: criteria provided, single submitter. Criteria: LabCorp Variant Classification Summary - May 2015. Collection method: clinical testing. Allele origin: germline.
Comment: Variant summary: ASS1 c.892G>A (p.Glu298Lys) results in a conservative amino acid change located in the Arginosuccinate synthase C-terminal domain of the encoded protein sequence. Three of five in-silico tools predict a benign effect of the variant on protein function. The variant was absent in 251462 control chromosomes. c.892G>A has been reported in the literature in at least one individual affected with Citrullinemia Type I (Woo_2013, Lee_2013). At least one publication reports experimental evidence evaluating an impact on protein function. The study reported residual enzymatic ASS1 activity was less than 10% of wild-type in transfected cells. The following publications have been ascertained in the context of this evaluation (PMID: 23246278, 23099195, 31469252). ClinVar contains an entry for this variant (Variation ID: 1435108). Based on the evidence outlined above, the variant was classified as likely pathogenic.

Women's Health and Genetics/Laboratory Corporation of America, LabCorp
Classification: Likely pathogenic for Cardiac arrhythmia. Last evaluated: 2024-03-27. Review status: criteria provided, single submitter. Criteria: LabCorp Variant Classification Summary - May 2015. Collection method: clinical testing. Allele origin: germline.
Comment: Variant summary: JUP c.892G>A (p.Gly298Ser) results in a non-conservative amino acid change in the encoded protein sequence. Three of five in-silico tools predict a damaging effect of the variant on protein function. The variant allele was found at a frequency of 0.00016 in 251328 control chromosomes (gnomAD). The observed variant frequency is approximately 16 fold of the estimated maximal expected allele frequency for a pathogenic variant in JUP causing Arrhythmia phenotype (1e-05), strongly suggesting that the variant is benign. To our knowledge, no occurrence of c.892G>A in individuals affected with Arrhythmia and no experimental evidence demonstrating its impact on protein function have been reported. Two ClinVar submitters (evaluation after 2014) cite the variant as uncertain significance. Based on the evidence outlined above, the variant was classified as VUS-possibly benign.

Literature cited by the submitters: PubMed 31469252 (cited by 3 submitters); PubMed 23099195 (cited by Labcorp Genetics (formerly Invitae), Labcorp and Women's Health and Genetics/Laboratory Corporation of America, LabCorp); PubMed 23246278 (cited by Labcorp Genetics (formerly Invitae), Labcorp and Women's Health and Genetics/Laboratory Corporation of America, LabCorp).

NM_054012.4(ASS1):c.892G>A (p.Glu298Lys)

Gene: ASS1 (argininosuccinate synthase 1; plus strand). Cytogenetic location: 9q34.11.
Variant type: single nucleotide variant.
Coding change: c.892G>A on transcript NM_054012.4 (MANE Select); coding-DNA position 892, G replaced by A.
Protein change: p.Glu298Lys; replaces glutamic acid 298 with lysine.
Molecular consequence: missense variant.
Genome position (GRCh38, 1-based): chr9:130,489,386, G>A. VCF-style: chr9-130489386-G-A. GRCh37 (hg19) VCF-style: chr9-133364773-G-A.
Other names: c.892G>A, p.Glu298Lys (NM_000050.4); short protein forms E298K.
Identifiers: ClinVar variation 1435108 (VCV001435108.11), dbSNP rs1372482894, ClinGen allele CA375230556.